The following is an entry in ClinVar:

NM_000535.7(PMS2):c.2022A>C (p.Ala674=)

Gene: PMS2 (PMS1 homolog 2, mismatch repair system component; minus strand). Cytogenetic location: 7p22.1.
Variant type: single nucleotide variant.
Coding change: c.2022A>C on transcript NM_000535.7 (MANE Select); coding-DNA position 2022, A replaced by C.
Protein change: p.Ala674=; no amino-acid change (alanine 674 retained).
Molecular consequence: synonymous variant. On other transcripts: non-coding transcript variant (1).
Genome position (GRCh38, 1-based): chr7:5,982,976, T>G on the plus strand (A>C on the coding strand, the complement: PMS2 is on the minus strand). VCF-style: chr7-5982976-T-G. GRCh37 (hg19) VCF-style: chr7-6022607-T-G.
Other names: c.1617A>C, p.Ala539= (NM_001322003.2, NM_001322004.2, NM_001322005.2 and 1 more transcripts); c.1866A>C, p.Ala622= (NM_001322006.2); c.1704A>C, p.Ala568= (NM_001322007.2, NM_001322008.2); c.1461A>C, p.Ala487= (NM_001322010.2); c.1089A>C, p.Ala363= (NM_001322011.2, NM_001322012.2); c.1449A>C, p.Ala483= (NM_001322013.2); c.2022A>C, p.Ala674= (NM_001322014.2); c.1713A>C, p.Ala571= (NM_001322015.2); and 1 more.
Identifiers: ClinVar variation 1664295 (VCV001664295.10), dbSNP rs2128704690, ClinGen allele CA453643575.

ClinVar aggregate classification (germline): Benign/Likely benign. Review status: criteria provided, multiple submitters, no conflicts (2 of 4 stars). 3 submissions from 3 submitters: Benign (1); Likely benign (2). Last evaluated 2025-11-11.

Conditions:
Hereditary nonpolyposis colorectal neoplasms. Identifiers: MedGen C0009405, MeSH D003123.
Hereditary cancer-predisposing syndrome. Also called: Hereditary neoplastic syndrome; Neoplastic Syndromes, Hereditary; Tumor predisposition; Hereditary Cancer Syndrome. Identifiers: Orphanet 140162, MedGen C0027672, MeSH D009386, MONDO:0015356.
Lynch syndrome 4 (LYNCH4). Also called: Hereditary non-polyposis colorectal cancer, type 4; Colorectal cancer, hereditary nonpolyposis, type 4. Identifiers: Orphanet 144, MedGen C1838333, MONDO:0013699, OMIM 614337. Disease mechanism: loss of function.

Submissions (3):

Ambry Genetics
Classification: Likely benign for Hereditary cancer-predisposing syndrome. Last evaluated: 2025-11-11. Review status: criteria provided, single submitter. Criteria: Ambry Variant Classification Scheme 2023. Collection method: clinical testing. Allele origin: germline.

Myriad Genetics, Inc.
Classification: Benign for Lynch syndrome 4. Last evaluated: 2025-02-03. Review status: criteria provided, single submitter. Criteria: Myriad Autosomal Dominant, Autosomal Recessive and X-Linked Classification Criteria (2023). Collection method: clinical testing. Allele origin: unknown.
Comment: This variant is considered benign. This variant is a silent/synonymous amino acid change and it is not expected to impact splicing.

Labcorp Genetics (formerly Invitae), Labcorp
Classification: Likely benign for Hereditary nonpolyposis colorectal neoplasms. Last evaluated: 2024-04-14. Review status: criteria provided, single submitter. Criteria: Invitae Variant Classification Sherloc (09022015). Collection method: clinical testing. Allele origin: germline.